The following is an entry in ClinVar:

NM_032389.6(ARFGAP2):c.191+6C>T

Gene: ARFGAP2 (ARF GTPase activating protein 2; minus strand). Cytogenetic location: 11p11.2.
Variant type: single nucleotide variant.
Coding change: c.191+6C>T on transcript NM_032389.6 (MANE Select); 6 bases into the intron after coding-DNA position 191, C replaced by T.
Molecular consequence: intron variant.
Genome position (GRCh38, 1-based): chr11:47,176,510, G>A on the plus strand (C>T on the coding strand, the complement: ARFGAP2 is on the minus strand). VCF-style: chr11-47176510-G-A. GRCh37 (hg19) VCF-style: chr11-47198061-G-A.
Other names: c.191+6C>T (NM_001242832.2, NM_001410995.1).
Identifiers: ClinVar variation 3040288 (VCV003040288.2), dbSNP rs568596407, ClinGen allele CA5971800.
Genomic context (GRCh38, chr11:47,176,510, plus strand): 5'-CTCCCTTGTTGCCCAGACACCCCTGGCCGGCCGGGTGGAAACACGGCAACCGCGCGGAGA[G>A]CCTACCTGATGAAGCTCAGATGGACGCCCAGGGAGCGGTGCACCCCGGAACAGTCAATGC-3'

ClinVar aggregate classification (germline): Likely benign (0 of 4 stars; one submission).

Conditions:
ARFGAP2-related disorder. Also called: ARFGAP2-related condition.

Allele frequency attached by ClinVar (database versions not stated): gnomAD 0.00007; gnomAD exomes 0.00007; TOPMed 0.00009; 1000 Genomes Project 30x 0.00016; 1000 Genomes Project 0.00020; ExAC 0.00020.
gnomAD v4.1: 105 of 1,612,576 alleles (0.0065%); highest among the groups gnomAD compares: East Asian, 0.23%; no homozygotes.

Submission:

PreventionGenetics, part of Exact Sciences
Classification: Likely benign for ARFGAP2-related condition. Last evaluated: 2019-09-20. Review status: no assertion criteria provided. Collection method: clinical testing. Allele origin: germline.
Comment: This variant is classified as likely benign based on ACMG/AMP sequence variant interpretation guidelines (Richards et al. 2015 PMID: 25741868, with internal and published modifications).